The following is an entry in ClinVar:

NM_001037.5(SCN1B):c.448+236C>A

Gene: SCN1B (sodium voltage-gated channel beta subunit 1; plus strand). Cytogenetic location: 19q13.11.
Variant type: single nucleotide variant.
Coding change: c.448+236C>A on transcript NM_001037.5 (MANE Select); 236 bases into the intron after coding-DNA position 448, C replaced by A.
Molecular consequence: intron variant. On other transcripts: nonsense (1).
Genome position (GRCh38, 1-based): chr19:35,033,975, C>A. VCF-style: chr19-35033975-C-A. GRCh37 (hg19) VCF-style: chr19-35524879-C-A.
Other names: c.684C>A, p.Tyr228Ter (NM_199037.5); c.349+236C>A (NM_001321605.2); short protein forms Y228*.
Identifiers: ClinVar variation 4805420 (VCV004805420.1).

ClinVar aggregate classification (germline): Uncertain significance (1 of 4 stars; one submission).

Conditions:
Brugada syndrome 5 (BRGDA5). Identifiers: Orphanet 130, Orphanet 871, MedGen C2748541, MONDO:0013015, OMIM 612838.

gnomAD v4.1: 31 of 1,551,898 alleles (0.002%); highest among the groups gnomAD compares: Non-Finnish European, 0.0026%; no homozygotes.

Submission:

Labcorp Genetics (formerly Invitae), Labcorp
Classification: Uncertain significance for Brugada syndrome 5. Last evaluated: 2025-12-09. Review status: criteria provided, single submitter. Criteria: Invitae Variant Classification Sherloc (09022015). Collection method: clinical testing. Allele origin: germline.
Comment: This sequence change creates a premature translational stop signal (p.Tyr228*) in the SCN1B gene. While this is not anticipated to result in nonsense mediated decay, it is expected to disrupt the last 41 amino acid(s) of the SCN1B protein. This variant is not present in population databases (gnomAD no frequency). This variant has not been reported in the literature in individuals affected with SCN1B-related conditions. Experimental studies and prediction algorithms are not available or were not evaluated, and the functional significance of this variant is currently unknown. In summary, the available evidence is currently insufficient to determine the role of this variant in disease. Therefore, it has been classified as a Variant of Uncertain Significance.